The following is an entry in ClinVar:

ClinVar aggregate classification (germline): Uncertain significance (1 of 4 stars; one submission).

Conditions:
Cardiovascular phenotype. Identifiers: MedGen CN230736.

gnomAD v4.1: 14 of 1,614,058 alleles (0.00087%); highest among the groups gnomAD compares: Non-Finnish European, 0.00093%; no homozygotes.

Submission:

Ambry Genetics
Classification: Uncertain significance for Cardiovascular phenotype. Last evaluated: 2024-09-14. Review status: criteria provided, single submitter. Criteria: Ambry Variant Classification Scheme 2023. Collection method: clinical testing. Allele origin: germline.
Comment: The p.S1217G variant (also known as c.3649A>G), located in coding exon 31 of the ANK2 gene, results from an A to G substitution at nucleotide position 3649. The serine at codon 1217 is replaced by glycine, an amino acid with similar properties. This amino acid position is conserved. In addition, this alteration is predicted to be deleterious by in silico analysis. Based on the available evidence, the clinical significance of this variant remains unclear.

NM_001148.6(ANK2):c.3649A>G (p.Ser1217Gly)

Gene: ANK2 (ankyrin 2; plus strand). Cytogenetic location: 4q26.
Variant type: single nucleotide variant.
Coding change: c.3649A>G on transcript NM_001148.6 (MANE Select); coding-DNA position 3649, A replaced by G.
Protein change: p.Ser1217Gly; replaces serine 1217 with glycine.
Molecular consequence: missense variant.
Genome position (GRCh38, 1-based): chr4:113,336,634, A>G. VCF-style: chr4-113336634-A-G. GRCh37 (hg19) VCF-style: chr4-114257790-A-G.
Other names: c.3622A>G, p.Ser1208Gly (NM_001127493.3); c.3661A>G, p.Ser1221Gly (NM_001354225.2); c.3550A>G, p.Ser1184Gly (NM_001354228.2, NM_001354258.2); c.3628A>G, p.Ser1210Gly (NM_001354230.2); c.3691A>G, p.Ser1231Gly (NM_001354231.2, NM_001354242.2); c.3685A>G, p.Ser1229Gly (NM_001354232.2); c.3646A>G, p.Ser1216Gly (NM_001354235.2, NM_001354246.2, NM_001354265.2); c.3547A>G, p.Ser1183Gly (NM_001354236.2); and 31 more; short protein forms S1056G, S1130G, S1150G, S1162G, S1165G, S1184G, S1210G, S1217G.
Identifiers: ClinVar variation 3539680 (VCV003539680.1).